The following is an entry in ClinVar:

NM_000550.3(TYRP1):c.1024T>C (p.Phe342Leu)

Genes: LURAP1L-AS1 (LURAP1L antisense RNA 1; minus strand), TYRP1 (tyrosinase related protein 1; plus strand). Cytogenetic location: 9p23.
Variant type: single nucleotide variant.
Coding change: c.1024T>C on transcript NM_000550.3 (MANE Select); coding-DNA position 1024, T replaced by C.
Protein change: p.Phe342Leu; replaces phenylalanine 342 with leucine.
Molecular consequence: missense variant.
Genome position (GRCh38, 1-based): chr9:12,702,381, T>C. VCF-style: chr9-12702381-T-C. GRCh37 (hg19) VCF-style: chr9-12702381-T-C.
Other names: short protein forms F342L.
Identifiers: ClinVar variation 1477129 (VCV001477129.6), dbSNP rs1038790420, ClinGen allele CA189312006.

ClinVar aggregate classification (germline): Uncertain significance (1 of 4 stars; one submission).

Submission:

Labcorp Genetics (formerly Invitae), Labcorp
Classification: Uncertain significance. Last evaluated: 2021-09-24. Review status: criteria provided, single submitter. Criteria: Invitae Variant Classification Sherloc (09022015). Collection method: clinical testing. Allele origin: germline.
Comment: In summary, the available evidence is currently insufficient to determine the role of this variant in disease. Therefore, it has been classified as a Variant of Uncertain Significance. Algorithms developed to predict the effect of missense changes on protein structure and function are either unavailable or do not agree on the potential impact of this missense change (SIFT: "Deleterious"; PolyPhen-2: "Possibly Damaging"; Align-GVGD: "Class C0"). This variant has not been reported in the literature in individuals affected with TYRP1-related conditions. This variant is not present in population databases (ExAC no frequency). This sequence change replaces phenylalanine with leucine at codon 342 of the TYRP1 protein (p.Phe342Leu). The phenylalanine residue is highly conserved and there is a small physicochemical difference between phenylalanine and leucine.